The following is an entry in ClinVar:

NM_006947.4(SRP72):c.1592G>A (p.Arg531Gln)

Gene: SRP72 (signal recognition particle 72; plus strand). Cytogenetic location: 4q12.
Variant type: single nucleotide variant.
Coding change: c.1592G>A on transcript NM_006947.4 (MANE Select); coding-DNA position 1592, G replaced by A.
Protein change: p.Arg531Gln; replaces arginine 531 with glutamine.
Molecular consequence: missense variant. On other transcripts: non-coding transcript variant (1).
Genome position (GRCh38, 1-based): chr4:56,491,520, G>A. VCF-style: chr4-56491520-G-A. GRCh37 (hg19) VCF-style: chr4-57357686-G-A.
Other names: c.1409G>A, p.Arg470Gln (NM_001267722.2); c.1592G>A (NM_006947.3); short protein forms R531Q, R470Q.
Identifiers: ClinVar variation 1346625 (VCV001346625.9), dbSNP rs752387547, ClinGen allele CA2931410.

ClinVar aggregate classification (germline): Uncertain significance. Review status: criteria provided, multiple submitters, no conflicts (2 of 4 stars). 2 submissions from 2 submitters: Uncertain significance (2). Last evaluated 2025-05-19.

Allele frequency attached by ClinVar (database versions not stated): gnomAD exomes 0.00001; ExAC 0.00002.

Submissions (2):

Ambry Genetics
Classification: Uncertain significance. Last evaluated: 2025-05-19. Review status: criteria provided, single submitter. Criteria: Ambry Variant Classification Scheme 2023. Collection method: clinical testing. Allele origin: germline.
Comment: The p.R531Q variant (also known as c.1592G>A), located in coding exon 16 of the SRP72 gene, results from a G to A substitution at nucleotide position 1592. The arginine at codon 531 is replaced by glutamine, an amino acid with highly similar properties. This amino acid position is conserved. In addition, the in silico prediction for this alteration is inconclusive. Based on the available evidence, the clinical significance of this variant remains unclear.

Labcorp Genetics (formerly Invitae), Labcorp
Classification: Uncertain significance. Last evaluated: 2021-04-18. Review status: criteria provided, single submitter. Criteria: Invitae Variant Classification Sherloc (09022015). Collection method: clinical testing. Allele origin: germline.
Comment: In summary, the available evidence is currently insufficient to determine the role of this variant in disease. Therefore, it has been classified as a Variant of Uncertain Significance. Algorithms developed to predict the effect of sequence changes on RNA splicing suggest that this variant may create or strengthen a splice site, but this prediction has not been confirmed by published transcriptional studies. Algorithms developed to predict the effect of missense changes on protein structure and function (SIFT, PolyPhen-2, Align-GVGD) all suggest that this variant is likely to be tolerated, but these predictions have not been confirmed by published functional studies and their clinical significance is uncertain. This variant has not been reported in the literature in individuals with SRP72-related conditions. This variant is present in population databases (rs752387547, ExAC 0.003%). This sequence change replaces arginine with glutamine at codon 531 of the SRP72 protein (p.Arg531Gln). The arginine residue is moderately conserved and there is a small physicochemical difference between arginine and glutamine.